The following is an entry in ClinVar:

NM_004327.4(BCR):c.3771C>T (p.Ala1257=)

Gene: BCR (BCR activator of RhoGEF and GTPase; plus strand). Cytogenetic location: 22q11.23.
Variant type: single nucleotide variant.
Coding change: c.3771C>T on transcript NM_004327.4 (MANE Select); coding-DNA position 3771, C replaced by T.
Protein change: p.Ala1257=; no amino-acid change (alanine 1257 retained).
Molecular consequence: synonymous variant.
Genome position (GRCh38, 1-based): chr22:23,315,477, C>T. VCF-style: chr22-23315477-C-T. GRCh37 (hg19) VCF-style: chr22-23657664-C-T.
Other names: c.3639C>T, p.Ala1213= (NM_021574.3).
Identifiers: ClinVar variation 784726 (VCV000784726.28), dbSNP rs73152683, ClinGen allele CA10143155.

ClinVar aggregate classification (germline): Benign/Likely benign. Review status: criteria provided, multiple submitters, no conflicts (2 of 4 stars). 3 submissions from 3 submitters: Benign (2); Likely benign (1). Last evaluated 2026-02-01.

Allele frequency attached by ClinVar (database versions not stated): gnomAD 0.00326 and 0.00336; ExAC 0.00341; 1000 Genomes Project 0.00140; 1000 Genomes Project 30x 0.00172; gnomAD exomes 0.00345 and 0.00470; TOPMed 0.00361; ESP Exome Variant Server 0.00392.
gnomAD v4.1: 7,338 of 1,613,066 alleles (0.45%); highest among the groups gnomAD compares: Non-Finnish European, 0.56%; 26 homozygotes.

Submissions (3):

CeGaT Center for Human Genetics Tuebingen
Classification: Likely benign. Last evaluated: 2026-02-01. Review status: criteria provided, single submitter. Criteria: CeGaT Center For Human Genetics Tuebingen Variant Classification Criteria Version 2. Collection method: clinical testing. Allele origin: germline. Affected: yes. Observed: 5 variant alleles.
Comment: BCR: BP4, BP7, BS2

Labcorp Genetics (formerly Invitae), Labcorp
Classification: Benign. Last evaluated: 2018-08-02. Review status: criteria provided, single submitter. Criteria: Invitae Variant Classification Sherloc (09022015). Collection method: clinical testing. Allele origin: germline.

Breakthrough Genomics
Classification: Benign. Review status: criteria provided, single submitter. Criteria: ACMG Guidelines, 2015. Collection method: not provided. Allele origin: germline. Inheritance: Other. Affected: yes.